The following is an entry in ClinVar:

ClinVar aggregate classification (germline): Uncertain significance. Review status: criteria provided, multiple submitters, no conflicts (2 of 4 stars). 2 submissions from 2 submitters: Uncertain significance (2). Last evaluated 2025-04-23.

Submissions (2):

Labcorp Genetics (formerly Invitae), Labcorp
Classification: Uncertain significance. Last evaluated: 2025-04-23. Review status: criteria provided, single submitter. Criteria: Invitae Variant Classification Sherloc (09022015). Collection method: clinical testing. Allele origin: germline.
Comment: This sequence change replaces alanine, which is neutral and non-polar, with threonine, which is neutral and polar, at codon 131 of the MOCS3 protein (p.Ala131Thr). The frequency data for this variant in the population databases is considered unreliable, as metrics indicate poor data quality at this position in the gnomAD database. This variant has not been reported in the literature in individuals affected with MOCS3-related conditions. ClinVar contains an entry for this variant (Variation ID: 1450405). An algorithm developed to predict the effect of missense changes on protein structure and function (PolyPhen-2) suggests that this variant is likely to be tolerated. In summary, the available evidence is currently insufficient to determine the role of this variant in disease. Therefore, it has been classified as a Variant of Uncertain Significance.

Ambry Genetics
Classification: Uncertain significance. Last evaluated: 2024-02-21. Review status: criteria provided, single submitter. Criteria: Ambry Variant Classification Scheme 2023. Collection method: clinical testing. Allele origin: germline.

NM_014484.5(MOCS3):c.391G>A (p.Ala131Thr)

Gene: MOCS3 (molybdenum cofactor synthesis 3; plus strand). Cytogenetic location: 20q13.13.
Variant type: single nucleotide variant.
Coding change: c.391G>A on transcript NM_014484.5 (MANE Select); coding-DNA position 391, G replaced by A.
Protein change: p.Ala131Thr; replaces alanine 131 with threonine.
Molecular consequence: missense variant.
Genome position (GRCh38, 1-based): chr20:50,959,233, G>A. VCF-style: chr20-50959233-G-A. GRCh37 (hg19) VCF-style: chr20-49575770-G-A.
Other names: c.391G>A (NM_014484.3); short protein forms A131T.
Identifiers: ClinVar variation 1450405 (VCV001450405.7), dbSNP rs757214647, ClinGen allele CA9909400.